The following is an entry in ClinVar:

NM_004655.4(AXIN2):c.1558_1564dup (p.His522fs)

Gene: AXIN2 (axin 2; minus strand). Cytogenetic location: 17q24.1.
Variant type: Duplication.
Coding change: c.1558_1564dup on transcript NM_004655.4 (MANE Select); coding-DNA positions 1558 to 1564, 7 bases duplicated (CACCACC; older notation c.1558_1564dupCACCACC).
Protein change: p.His522fs; shifts the reading frame from histidine 522.
Molecular consequence: frameshift variant.
Genome position (GRCh38, 1-based): chr17:65,537,472-65,537,478, GGTGGTG duplicated on the plus strand (CACCACC on the coding strand, the reverse complement: AXIN2 is on the minus strand); duplicating any 7 consecutive bases within chr17:65,537,472-65,537,479 gives the same sequence; the c. name uses the placement nearest the transcript's 3' end. VCF-style (leftmost placement, unchanged base first): chr17-65537471-T-TGGTGGTG. GRCh37 (hg19) VCF-style: chr17-63533589-T-TGGTGGTG.
Other names: c.1558_1564dup, p.His522fs (NM_001363813.1); c.1558_1564dupCACCACC (NM_004655.3); short protein forms H522fs.
Identifiers: ClinVar variation 4867308 (VCV004867308.1).

ClinVar aggregate classification (germline): Pathogenic (1 of 4 stars; one submission).

Conditions:
Hereditary cancer-predisposing syndrome. Also called: Neoplastic Syndromes, Hereditary; Tumor predisposition; Hereditary Cancer Syndrome; Hereditary neoplastic syndrome. Identifiers: Orphanet 140162, MedGen C0027672, MeSH D009386, MONDO:0015356.

Submission:

Ambry Genetics
Classification: Pathogenic for Hereditary cancer-predisposing syndrome. Last evaluated: 2026-05-14. Review status: criteria provided, single submitter. Criteria: Ambry Variant Classification Scheme 2023. Collection method: clinical testing. Allele origin: germline.
Comment: The c.1558_1564dupCACCACC pathogenic mutation, located in coding exon 5 of the AXIN2 gene, results from a duplication of CACCACC at nucleotide positions 1558 to 1564, causing a translational frameshift with a predicted alternate stop codon (p.H522Pfs*108). This variant is considered to be rare based on population cohorts in the Genome Aggregation Database (gnomAD). This alteration is expected to result in loss of function by premature protein truncation or nonsense-mediated mRNA decay. As such, this alteration is interpreted as a disease-causing mutation.